The following is an entry in ClinVar:

NM_001122659.3(EDNRB):c.-47T>C

Gene: EDNRB (endothelin receptor type B; minus strand). Cytogenetic location: 13q22.3.
Variant type: single nucleotide variant.
Coding change: c.-47T>C on transcript NM_001122659.3 (MANE Select); 47 bases upstream of the start codon, T replaced by C.
Molecular consequence: 5 prime UTR variant. On other transcripts: missense variant (1).
Genome position (GRCh38, 1-based): chr13:77,918,620, A>G on the plus strand (T>C on the coding strand, the complement: EDNRB is on the minus strand). VCF-style: chr13-77918620-A-G. GRCh37 (hg19) VCF-style: chr13-78492755-A-G.
Other names: c.-47T>C (NM_000115.5, NM_003991.4); c.224T>C, p.Leu75Pro (NM_001201397.2); short protein forms L75P.
Identifiers: ClinVar variation 227352 (VCV000227352.4), dbSNP rs201336064, ClinGen allele CA7012420.
Genomic context (GRCh38, chr13:77,918,620, plus strand): 5'-GGAGGCGGCTGCATGCTGCTACCTGCTCCAGAAGGCGTCCGGTGGCCGCTCCGCAGTTTC[A>G]GAGCCTAGAGACAAGCAGAGGAAGGAAGACAGGACACTTGGGTCAGCTGCCCGAGCCAAG-3'

ClinVar aggregate classification (germline): Likely benign (1 of 4 stars; one submission).

Allele frequency attached by ClinVar (database versions not stated): gnomAD 0.00002; TOPMed 0.00003; ExAC 0.00004; gnomAD exomes 0.00004.
gnomAD v4.1: 53 of 1,541,822 alleles (0.0034%); highest among the groups gnomAD compares: East Asian, 0.009%; no homozygotes.

Submission:

Laboratory for Molecular Medicine, Mass General Brigham Personalized Medicine
Classification: Likely benign. Last evaluated: 2015-07-17. Review status: criteria provided, single submitter. Criteria: LMM Criteria. Collection method: clinical testing. Allele origin: germline. Observed: 1 variant allele.
Comment: The p.Leu75Pro variant in exon 2 of EDNRB (RefSeq ID: NM_001201397.1): This vari ant is not expected to have clinical significance because the leucine (Leu) resi due at position 75 is not conserved through species, with at least 4 mammals (da vid's myotis bat, microbat, big brown bat, shrew) having a proline (Pro) at this position. The variant has been identified in 3/75258 chromosomes from several p opulations by the Exome Aggregation Consortium (ExAC .org; dbSNP rs201336064). Note that the variant occurs in the predicted coding r egion of only 1 of 4 transcript isoforms of the EDNRB gene, and lies in the 5' u ntranslated region of the other three isoforms.